The following is an entry in ClinVar:

ClinVar aggregate classification (germline): Benign/Likely benign. Review status: criteria provided, multiple submitters, no conflicts (2 of 4 stars). 6 submissions from 6 submitters: Benign (2); Likely benign (4). Last evaluated 2026-01-19.

Allele frequency attached by ClinVar (database versions not stated): gnomAD exomes 0.00011 and 0.00029; ExAC 0.00036; ESP Exome Variant Server 0.00097; gnomAD 0.00115 and 0.00120; TOPMed 0.00124; 1000 Genomes Project 0.00200; 1000 Genomes Project 30x 0.00250.
gnomAD v4.1: 336 of 1,614,198 alleles (0.021%); highest among the groups gnomAD compares: African/African-American, 0.42%; 2 homozygotes.

Submissions (6):

Labcorp Genetics (formerly Invitae), Labcorp
Classification: Benign. Last evaluated: 2026-01-19. Review status: criteria provided, single submitter. Criteria: Invitae Variant Classification Sherloc (09022015). Collection method: clinical testing. Allele origin: germline.

Blueprint Genetics
Classification: Likely benign. Last evaluated: 2024-06-20. Review status: criteria provided, single submitter. Criteria: ACMG Guidelines, 2015. Collection method: clinical testing. Allele origin: germline.

GeneDx
Classification: Likely benign. Last evaluated: 2021-03-01. Review status: criteria provided, single submitter. Criteria: GeneDx Variant Classification Process June 2021. Collection method: clinical testing. Allele origin: germline. Affected: yes.

Genetic Services Laboratory, University of Chicago
Classification: Likely benign. Last evaluated: 2013-12-03. Review status: criteria provided, single submitter. Criteria: ACMG Guidelines, 2007. Collection method: clinical testing. Allele origin: germline. Inheritance: Autosomal recessive inheritance.
Comment: Likely benign based on allele frequency in 1000 Genomes Project or ESP global frequency and its presence in a patient with a rare or unrelated disease phenotype. NOT Sanger confirmed

Eurofins Ntd Llc (ga)
Classification: Benign. Last evaluated: 2013-08-09. Review status: criteria provided, single submitter. Criteria: EGL Classification Definitions 2015. Collection method: clinical testing. Allele origin: germline. Observed: 1 variant allele, 1 heterozygote.

Breakthrough Genomics
Classification: Likely benign. Review status: criteria provided, single submitter. Criteria: ACMG Guidelines, 2015. Collection method: not provided. Allele origin: germline. Inheritance: Autosomal recessive inheritance. Affected: yes.

NM_024596.5(MCPH1):c.1236T>C (p.Tyr412=)

Gene: MCPH1 (microcephalin 1; plus strand). Cytogenetic location: 8p23.1.
Variant type: single nucleotide variant.
Coding change: c.1236T>C on transcript NM_024596.5 (MANE Select); coding-DNA position 1236, T replaced by C.
Protein change: p.Tyr412=; no amino-acid change (tyrosine 412 retained).
Molecular consequence: synonymous variant. On other transcripts: non-coding transcript variant (1).
Genome position (GRCh38, 1-based): chr8:6,444,958, T>C. VCF-style: chr8-6444958-T-C. GRCh37 (hg19) VCF-style: chr8-6302479-T-C.
Other names: c.1236T>C, p.Tyr412= (NM_001172574.2, NM_001322042.2, NM_001363979.1 and 1 more transcripts); c.1092T>C, p.Tyr364= (NM_001172575.2); c.1230T>C, p.Tyr410= (NM_001322043.2); c.1134T>C, p.Tyr378= (NM_001322045.2).
Identifiers: ClinVar variation 96127 (VCV000096127.23), dbSNP rs142858644, ClinGen allele CA149262.